The following is an entry in ClinVar:

NM_001723.7(DST):c.3604A>C (p.Thr1202Pro)

Gene: DST (dystonin; minus strand). Cytogenetic location: 6p12.1.
Variant type: single nucleotide variant.
Coding change: c.3604A>C on transcript NM_001723.7 (MANE Plus Clinical); coding-DNA position 3604, A replaced by C.
Protein change: p.Thr1202Pro; replaces threonine 1202 with proline.
Molecular consequence: missense variant. On other transcripts: intron variant (10).
Genome position (GRCh38, 1-based): chr6:56,620,430, T>G on the plus strand (A>C on the coding strand, the complement: DST is on the minus strand). VCF-style: chr6-56620430-T-G. GRCh37 (hg19) VCF-style: chr6-56485228-T-G.
Other names: c.4830+4100A>C (NM_001144769.5); c.4929+4100A>C (NM_001374722.1, NM_001374736.1); c.4956+4100A>C (NM_001374734.1); c.4416+4100A>C (NM_001144770.2); c.4296+4100A>C (NM_001374730.1, NM_001386100.1, NM_183380.4 and 1 more transcripts); c.3318+4100A>C (NM_015548.5); short protein forms T1202P.
Identifiers: ClinVar variation 1504578 (VCV001504578.3), dbSNP rs1004852725, ClinGen allele CA139209942.

ClinVar aggregate classification (germline): Uncertain significance (1 of 4 stars; one submission).

Conditions:
Hereditary sensory and autonomic neuropathy type 6. Also called: Neuropathy, hereditary sensory and autonomic, type VI; HSAN VI. Identifiers: Orphanet 314381, MedGen C3539003, MONDO:0013839, OMIM 614653.
Epidermolysis bullosa simplex 3, localized or generalized intermediate, with BP230 deficiency (EBS3). Also called: Epidermolysis bullosa simplex due to BP230 deficiency; Epidermolysis bullosa simplex, autosomal recessive 2. Identifiers: Orphanet 412181, MedGen C3809470, MONDO:0014180, OMIM 615425.

Allele frequency attached by ClinVar (database versions not stated): gnomAD exomes 0.00003 and 0.00005; TOPMed 0.00010; gnomAD 0.00013.
gnomAD v4.1: 38 of 1,614,060 alleles (0.0024%); highest among the groups gnomAD compares: Admixed American, 0.05%; 1 homozygote.

Submission:

Labcorp Genetics (formerly Invitae), Labcorp
Classification: Uncertain significance for Epidermolysis bullosa simplex 3, localized or generalized intermediate, with BP230 deficiency; Hereditary sensory and autonomic neuropathy type 6. Last evaluated: 2022-05-20. Review status: criteria provided, single submitter. Criteria: Invitae Variant Classification Sherloc (09022015). Collection method: clinical testing. Allele origin: germline.
Comment: This sequence change replaces threonine, which is neutral and polar, with proline, which is neutral and non-polar, at codon 1202 of the DST protein (p.Thr1202Pro). This variant is present in population databases (no rsID available, gnomAD 0.03%). This variant has not been reported in the literature in individuals affected with DST-related conditions. Algorithms developed to predict the effect of missense changes on protein structure and function (SIFT, PolyPhen-2, Align-GVGD) all suggest that this variant is likely to be tolerated. In summary, the available evidence is currently insufficient to determine the role of this variant in disease. Therefore, it has been classified as a Variant of Uncertain Significance.